The following is an entry in ClinVar:

ClinVar aggregate classification (germline): Pathogenic (1 of 4 stars; one submission).

Submission:

Labcorp Genetics (formerly Invitae), Labcorp
Classification: Pathogenic. Last evaluated: 2022-03-12. Review status: criteria provided, single submitter. Criteria: Invitae Variant Classification Sherloc (09022015). Collection method: clinical testing. Allele origin: germline.
Comment: For these reasons, this variant has been classified as Pathogenic. This variant has not been reported in the literature in individuals affected with PTPRO-related conditions. This variant is not present in population databases (gnomAD no frequency). This sequence change creates a premature translational stop signal (p.Ser650Ilefs*33) in the PTPRO gene. It is expected to result in an absent or disrupted protein product. Loss-of-function variants in PTPRO are known to be pathogenic (PMID: 21722858).

Literature cited by the submitters: PubMed 21722858.

NM_030667.3(PTPRO):c.1949del (p.Ser650fs)

Gene: PTPRO (protein tyrosine phosphatase receptor type O; plus strand). Cytogenetic location: 12p12.3.
Variant type: Deletion.
Coding change: c.1949del on transcript NM_030667.3 (MANE Select); coding-DNA position 1949, one base deleted (G; older notation c.1949delG).
Protein change: p.Ser650fs; shifts the reading frame from serine 650.
Molecular consequence: frameshift variant.
Genome position (GRCh38, 1-based): chr12:15,524,871, G deleted. VCF-style (leftmost placement, unchanged base first): chr12-15524870-AG-A. GRCh37 (hg19) VCF-style: chr12-15677804-AG-A.
Other names: c.1949del, p.Ser650fs (NM_002848.4); short protein forms S650fs.
Identifiers: ClinVar variation 2110029 (VCV002110029.4), dbSNP rs2539990210, ClinGen allele CA2580085205.